The following is an entry in ClinVar:

ClinVar aggregate classification (germline): Pathogenic/Likely pathogenic. Review status: criteria provided, multiple submitters, no conflicts (2 of 4 stars). 3 submissions from 3 submitters: Pathogenic (1); Likely pathogenic (2). Last evaluated 2021-12-30.

Conditions:
Dyskeratosis congenita. Identifiers: Orphanet 1775, MedGen C0265965, MONDO:0015780.
Pulmonary fibrosis and/or bone marrow failure, Telomere-related, 3. Also called: PULMONARY FIBROSIS AND/OR BONE MARROW FAILURE SYNDROME, TELOMERE-RELATED, 3. Identifiers: Orphanet 2032, MedGen C4225346, MONDO:0014613, OMIM 616373.
Dyskeratosis congenita, autosomal recessive 5 (DKCB5). Identifiers: MedGen C3554656, MONDO:0014076, OMIM 615190.

Submissions (3):

Fulgent Genetics
Classification: Likely pathogenic for Dyskeratosis congenita, autosomal recessive 5; Pulmonary fibrosis and/or bone marrow failure, Telomere-related, 3. Last evaluated: 2021-12-30. Review status: criteria provided, single submitter. Criteria: ACMG Guidelines, 2015. Collection method: clinical testing. Allele origin: unknown.

Labcorp Genetics (formerly Invitae), Labcorp
Classification: Pathogenic for Dyskeratosis congenita, autosomal recessive 5; Pulmonary fibrosis and/or bone marrow failure, Telomere-related, 3. Last evaluated: 2020-07-21. Review status: criteria provided, single submitter. Criteria: Invitae Variant Classification Sherloc (09022015). Collection method: clinical testing. Allele origin: germline.
Comment: For these reasons, this variant has been classified as Pathogenic. Loss-of-function variants in RTEL1 are known to be pathogenic (PMID: 23453664, 23959892, 25607374). This variant has not been reported in the literature in individuals with RTEL1-related conditions. ClinVar contains an entry for this variant (Variation ID: 577500). This variant is not present in population databases (ExAC no frequency). This sequence change creates a premature translational stop signal (p.Leu938Serfs*34) in the RTEL1 gene. It is expected to result in an absent or disrupted protein product.

Laboratory for Molecular Medicine, Mass General Brigham Personalized Medicine
Classification: Likely pathogenic for Dyskeratosis congenita. Last evaluated: 2018-08-13. Review status: criteria provided, single submitter. Criteria: LMM Criteria. Collection method: clinical testing. Allele origin: germline. Observed: 2 variant alleles.
Comment: The p.Leu962SerfsX34 variant in RTEL1 has not been previously reported in indivi duals with short telomere syndromes or pulmonary fibrosis but has been identifie d in 1/23934 African chromosomes and 1/34396 Latino chromosomes by the Genome Ag gregation Database (gnomAD; dbSNP rs771615945 ). This variant is predicted to cause a frameshift, which alters the protein?s a mino acid sequence beginning at position 496 and leads to a premature terminatio n codon 34 amino acids downstream. This alteration is then predicted to lead to a truncated or absent protein. Truncating variants in RTEL1 have been reported t o segregate with disease in several families with familial pulmonary fibrosis (S tuart 2015). In summary, although additional studies are required to fully estab lish its clinical significance, the p.Leu962SerfsX34 variant is likely pathogeni c. ACMG/AMP Criteria applied: PVS1, PM2.

Literature cited by the submitters: PubMed 23453664 (cited by Labcorp Genetics (formerly Invitae), Labcorp); PubMed 23959892 (cited by Labcorp Genetics (formerly Invitae), Labcorp); PubMed 25607374 (cited by Labcorp Genetics (formerly Invitae), Labcorp); PubMed 25848748 (cited by Laboratory for Molecular Medicine, Mass General Brigham Personalized Medicine).

NM_001283009.2(RTEL1):c.2812del (p.Leu938fs)

Genes: RTEL1 (regulator of telomere elongation helicase 1; plus strand), RTEL1-TNFRSF6B (RTEL1-TNFRSF6B readthrough (NMD candidate); plus strand). Cytogenetic location: 20q13.33.
Variant type: Deletion.
Coding change: c.2812del on transcript NM_001283009.2 (MANE Select); coding-DNA position 2812, one base deleted (C; older notation c.2812delC).
Protein change: p.Leu938fs; shifts the reading frame from leucine 938.
Molecular consequence: frameshift variant. On other transcripts: non-coding transcript variant (1).
Genome position (GRCh38, 1-based): chr20:63,692,964, C deleted; the last of 5 consecutive C bases (chr20:63,692,960-63,692,964); deleting any one gives the same sequence. VCF-style (leftmost placement, unchanged base first): chr20-63692959-GC-G. GRCh37 (hg19) VCF-style: chr20-62324312-GC-G.
Other names: c.2143del, p.Leu715fs (NM_001283010.1); c.2812del, p.Leu938fs (NM_016434.4); c.2884del, p.Leu962fs (NM_032957.5); c.2884delC (NM_032957.4); short protein forms L962fs, L715fs, L938fs.
Identifiers: ClinVar variation 577500 (VCV000577500.12), dbSNP rs1449687529, ClinGen allele CA636615253.